The following is an entry in ClinVar:

ClinVar aggregate classification (germline): Pathogenic (1 of 4 stars; one submission).

Submission:

Labcorp Genetics (formerly Invitae), Labcorp
Classification: Pathogenic. Last evaluated: 2024-10-04. Review status: criteria provided, single submitter. Criteria: Invitae Variant Classification Sherloc (09022015). Collection method: clinical testing. Allele origin: germline.
Comment: This sequence change creates a premature translational stop signal (p.Gly563Argfs*35) in the COL9A3 gene. It is expected to result in an absent or disrupted protein product. Loss-of-function variants in COL9A3 are known to be pathogenic (PMID: 24273071, 31090205). This variant is not present in population databases (gnomAD no frequency). This variant has not been reported in the literature in individuals affected with COL9A3-related conditions. ClinVar contains an entry for this variant (Variation ID: 2085722). For these reasons, this variant has been classified as Pathogenic.

Literature cited by the submitters: PubMed 24273071; PubMed 31090205.

NM_001853.4(COL9A3):c.1686_1693del (p.Gly563fs)

Gene: COL9A3 (collagen type IX alpha 3 chain; plus strand). Cytogenetic location: 20q13.33.
Variant type: Deletion.
Coding change: c.1686_1693del on transcript NM_001853.4 (MANE Select); coding-DNA positions 1686 to 1693, 8 bases deleted (TGGGCCCC; older notation c.1686_1693delTGGGCCCC).
Protein change: p.Gly563fs; shifts the reading frame from glycine 563.
Molecular consequence: frameshift variant.
Genome position (GRCh38, 1-based): chr20:62,837,165-62,837,172, TGGGCCCC deleted; deleting any 8 consecutive bases within chr20:62,837,161-62,837,172 gives the same sequence; the c. name uses the placement nearest the transcript's 3' end. VCF-style (leftmost placement, unchanged base first): chr20-62837160-CCCCCTGGG-C. GRCh37 (hg19) VCF-style: chr20-61468512-CCCCCTGGG-C.
Other names: short protein forms G563fs.
Identifiers: ClinVar variation 2085722 (VCV002085722.4), dbSNP rs2063643169, ClinGen allele CA2374472710.